The following is an entry in ClinVar:

NM_001267550.2(TTN):c.72025_72035del (p.Ile24008_Ser24009insTer)

Genes: TTN (titin; minus strand), TTN-AS1 (TTN antisense RNA 1; plus strand). Cytogenetic location: 2q31.2.
Variant type: Deletion.
Coding change: c.72025_72035del on transcript NM_001267550.2 (MANE Select); coding-DNA positions 72025 to 72035, 11 bases deleted (AGTCCACCATC).
Protein change: p.Ile24008_Ser24009insTer.
Molecular consequence: nonsense.
Genome position (GRCh38, 1-based): chr2:178,574,097-178,574,107, GATGGTGGACT deleted on the plus strand (AGTCCACCATC on the coding strand, the reverse complement: TTN is on the minus strand); deleting any 11 consecutive bases within chr2:178,574,097-178,574,112 gives the same sequence; the c. name uses the placement nearest the transcript's 3' end. VCF-style (leftmost placement, unchanged base first): chr2-178574096-AGATGGTGGACT-A. GRCh37 (hg19) VCF-style: chr2-179438823-AGATGGTGGACT-A.
Other names: c.67102_67112del, p.Ile22367_Ser22368insTer (NM_001256850.1); c.44830_44840del, p.Ile14943_Ser14944insTer (NM_003319.4); c.64321_64331del, p.Ile21440_Ser21441insTer (NM_133378.4); c.45205_45215del, p.Ile15068_Ser15069insTer (NM_133432.3); c.45406_45416del, p.Ile15135_Ser15136insTer (NM_133437.4).
Identifiers: ClinVar variation 2093792 (VCV002093792.4), dbSNP rs2468613127, ClinGen allele CA2580064815.

ClinVar aggregate classification (germline): Likely pathogenic (1 of 4 stars; one submission).

Conditions:
Autosomal recessive limb-girdle muscular dystrophy type 2J (LGMDR10). Also called: Limb-girdle muscular dystrophy, type 2J; MUSCULAR DYSTROPHY, LIMB-GIRDLE, AUTOSOMAL RECESSIVE 10. Identifiers: Orphanet 140922, MedGen C1837342, MONDO:0012127, OMIM 608807.
Dilated cardiomyopathy 1G (CMD1G). Identifiers: Orphanet 154, MedGen C1858763, MONDO:0011400, OMIM 604145.

Submission:

Labcorp Genetics (formerly Invitae), Labcorp
Classification: Likely pathogenic for Dilated cardiomyopathy 1G; Autosomal recessive limb-girdle muscular dystrophy type 2J. Last evaluated: 2022-02-06. Review status: criteria provided, single submitter. Criteria: Invitae Variant Classification Sherloc (09022015). Collection method: clinical testing. Allele origin: germline.
Comment: In summary, the currently available evidence indicates that the variant is pathogenic, but additional data are needed to prove that conclusively. Therefore, this variant has been classified as Likely Pathogenic. This variant is located in the A band of TTN (PMID: 25589632). Truncating variants in this region are significantly overrepresented in patients affected with dilated cardiomyopathy (PMID: 25589632). Truncating variants in this region have also been reported in individuals affected with autosomal recessive centronuclear myopathy (PMID: 23975875). This premature translational stop signal has been observed in individual(s) with dilated cardiomyopathy (Invitae). This variant is not present in population databases (gnomAD no frequency). This sequence change creates a premature translational stop signal (p.Ser24009*) in the TTN gene. While this is not anticipated to result in nonsense mediated decay, it is expected to create a truncated TTN protein.

Literature cited by the submitters: PubMed 25589632; PubMed 23975875.